The following is an entry in ClinVar:

NM_014363.6(SACS):c.3830G>A (p.Trp1277Ter)

Gene: SACS (sacsin molecular chaperone; minus strand). Cytogenetic location: 13q12.12.
Variant type: single nucleotide variant.
Coding change: c.3830G>A on transcript NM_014363.6 (MANE Select); coding-DNA position 3830, G replaced by A.
Protein change: p.Trp1277Ter; replaces tryptophan 1277 with a stop codon.
Molecular consequence: nonsense.
Genome position (GRCh38, 1-based): chr13:23,340,046, C>T on the plus strand (G>A on the coding strand, the complement: SACS is on the minus strand). VCF-style: chr13-23340046-C-T. GRCh37 (hg19) VCF-style: chr13-23914185-C-T.
Other names: c.3389G>A, p.Trp1130Ter (NM_001278055.2); short protein forms W1277*, W1130*.
Identifiers: ClinVar variation 2031986 (VCV002031986.4), dbSNP rs2542289975, ClinGen allele CA387533498.
Genomic context (GRCh38, chr13:23,340,046, plus strand): 5'-TCATGGATTGGTTTAATCACAGCCTGGGCAAGTGGACAAAACTTTTTGCCAGTCCAAACC[C>T]ATGGAAATTTTAAGGCTCTAAAAGAATCTTTCCCTTCATTTAGATGATCATGCATGAATC-3'

ClinVar aggregate classification (germline): Pathogenic (1 of 4 stars; one submission).

Conditions:
Spastic paraplegia. Identifiers: MedGen C0037772, HP:0001258.

Submission:

Labcorp Genetics (formerly Invitae), Labcorp
Classification: Pathogenic for Spastic paraplegia. Last evaluated: 2021-12-03. Review status: criteria provided, single submitter. Criteria: Invitae Variant Classification Sherloc (09022015). Collection method: clinical testing. Allele origin: germline.
Comment: This sequence change creates a premature translational stop signal (p.Trp1277*) in the SACS gene. While this is not anticipated to result in nonsense mediated decay, it is expected to disrupt the last 3303 amino acid(s) of the SACS protein. This variant is not present in population databases (gnomAD no frequency). This variant has not been reported in the literature in individuals affected with SACS-related conditions. Algorithms developed to predict the effect of sequence changes on RNA splicing suggest that this variant may create or strengthen a splice site. This variant disrupts a region of the SACS protein in which other variant(s) (p.Asn4549Asp ) have been determined to be pathogenic (PMID: 15156359, 21507954). This suggests that this is a clinically significant region of the protein, and that variants that disrupt it are likely to be disease-causing. For these reasons, this variant has been classified as Pathogenic.

Literature cited by the submitters: PubMed 15156359; PubMed 21507954.